The following is an entry in ClinVar:

ClinVar aggregate classification (germline): Uncertain significance. Review status: criteria provided, multiple submitters, no conflicts (2 of 4 stars). 2 submissions from 2 submitters: Uncertain significance (2). Last evaluated 2025-08-19.

Allele frequency attached by ClinVar (database versions not stated): ExAC 0.00008; gnomAD 0.00013; TOPMed 0.00014; gnomAD exomes 0.00021.
gnomAD v4.1: 323 of 1,613,974 alleles (0.02%); highest among the groups gnomAD compares: Non-Finnish European, 0.026%; 1 homozygote.

Submissions (2):

Labcorp Genetics (formerly Invitae), Labcorp
Classification: Uncertain significance. Last evaluated: 2025-08-19. Review status: criteria provided, single submitter. Criteria: Invitae Variant Classification Sherloc (09022015). Collection method: clinical testing. Allele origin: germline.
Comment: This sequence change replaces alanine, which is neutral and non-polar, with valine, which is neutral and non-polar, at codon 115 of the KANK4 protein (p.Ala115Val). This variant is present in population databases (rs531195574, gnomAD 0.02%). This variant has not been reported in the literature in individuals affected with KANK4-related conditions. ClinVar contains an entry for this variant (Variation ID: 2155107). An algorithm developed to predict the effect of missense changes on protein structure and function outputs the following: PolyPhen-2: "Benign". The valine amino acid residue is found in multiple mammalian species, which suggests that this missense change does not adversely affect protein function. In summary, the available evidence is currently insufficient to determine the role of this variant in disease. Therefore, it has been classified as a Variant of Uncertain Significance.

Ambry Genetics
Classification: Uncertain significance. Last evaluated: 2024-04-09. Review status: criteria provided, single submitter. Criteria: Ambry Variant Classification Scheme 2023. Collection method: clinical testing. Allele origin: germline.

NM_181712.5(KANK4):c.344C>T (p.Ala115Val)

Gene: KANK4 (KN motif and ankyrin repeat domains 4; minus strand). Cytogenetic location: 1p31.3.
Variant type: single nucleotide variant.
Coding change: c.344C>T on transcript NM_181712.5 (MANE Select); coding-DNA position 344, C replaced by T.
Protein change: p.Ala115Val; replaces alanine 115 with valine.
Molecular consequence: missense variant. On other transcripts: intron variant (1).
Genome position (GRCh38, 1-based): chr1:62,274,760, G>A on the plus strand (C>T on the coding strand, the complement: KANK4 is on the minus strand). VCF-style: chr1-62274760-G-A. GRCh37 (hg19) VCF-style: chr1-62740432-G-A.
Other names: c.344C>T (NM_181712.4); c.17-3171C>T (NM_001320269.2); short protein forms A115V.
Identifiers: ClinVar variation 2155107 (VCV002155107.5), dbSNP rs531195574, ClinGen allele CA884588.